The following is an entry in ClinVar:

NM_000535.7(PMS2):c.1027A>G (p.Ile343Val)

Gene: PMS2 (PMS1 homolog 2, mismatch repair system component; minus strand). Cytogenetic location: 7p22.1.
Variant type: single nucleotide variant.
Coding change: c.1027A>G on transcript NM_000535.7 (MANE Select); coding-DNA position 1027, A replaced by G.
Protein change: p.Ile343Val; replaces isoleucine 343 with valine.
Molecular consequence: missense variant. On other transcripts: non-coding transcript variant (1), intron variant (2).
Genome position (GRCh38, 1-based): chr7:5,989,917, T>C on the plus strand (A>G on the coding strand, the complement: PMS2 is on the minus strand). VCF-style: chr7-5989917-T-C. GRCh37 (hg19) VCF-style: chr7-6029548-T-C.
Other names: c.622A>G, p.Ile208Val (NM_001322003.2, NM_001322004.2, NM_001322005.2 and 1 more transcripts); c.709A>G, p.Ile237Val (NM_001322007.2, NM_001322008.2); c.94A>G, p.Ile32Val (NM_001322011.2, NM_001322012.2); c.454A>G, p.Ile152Val (NM_001322013.2); c.1027A>G, p.Ile343Val (NM_001322014.2); c.718A>G, p.Ile240Val (NM_001322015.2); c.583+2056A>G (NM_001322010.2); c.988+2056A>G (NM_001322006.2); and 1 more; short protein forms I343V, I208V, I237V, I152V, I240V, I32V.
Identifiers: ClinVar variation 918646 (VCV000918646.10), dbSNP rs1181117995, ClinGen allele CA366742958.
Genomic context (GRCh38, chr7:5,989,917, plus strand): 5'-ACATTCCTATCAAAGAGGTCTTTAAAACTGCCAACAAAAGCTTTTCCTCTTGTAGCAAAA[T>C]TTGCCTTTTATCTGGAGTAACATTGATATCAACGCATTCTAAGGCAAAAAAGAAAACATA-3'
Protein context (NP_000526.2, residues 333-353): DINVTPDKRQ[Ile343Val]LLQEEKLLLA

ClinVar aggregate classification (germline): Uncertain significance. Review status: criteria provided, multiple submitters, no conflicts (2 of 4 stars). 3 submissions from 3 submitters: Uncertain significance (3). Last evaluated 2024-10-10.

Conditions:
Hereditary cancer-predisposing syndrome. Also called: Neoplastic Syndromes, Hereditary; Tumor predisposition; Hereditary Cancer Syndrome; Hereditary neoplastic syndrome. Identifiers: Orphanet 140162, MedGen C0027672, MeSH D009386, MONDO:0015356.
Hereditary nonpolyposis colorectal neoplasms. Identifiers: MedGen C0009405, MeSH D003123.

Allele frequency attached by ClinVar (database versions not stated): TOPMed below 0.00001; gnomAD 0.00001.
gnomAD v4.1: 1 of 1,611,594 alleles (0.000062%); highest among the groups gnomAD compares: African/African-American, 0.0013%; no homozygotes.

Submissions (3):

Labcorp Genetics (formerly Invitae), Labcorp
Classification: Uncertain significance for Hereditary nonpolyposis colorectal neoplasms. Last evaluated: 2024-10-10. Review status: criteria provided, single submitter. Criteria: Invitae Variant Classification Sherloc (09022015). Collection method: clinical testing. Allele origin: germline.
Comment: This sequence change replaces isoleucine, which is neutral and non-polar, with valine, which is neutral and non-polar, at codon 343 of the PMS2 protein (p.Ile343Val). This variant is not present in population databases (gnomAD no frequency). This variant has not been reported in the literature in individuals affected with PMS2-related conditions. ClinVar contains an entry for this variant (Variation ID: 918646). Invitae Evidence Modeling incorporating data from in vitro experimental studies (internal data) indicates that this missense variant is not expected to disrupt PMS2 function with a negative predictive value of 95%. In summary, the available evidence is currently insufficient to determine the role of this variant in disease. Therefore, it has been classified as a Variant of Uncertain Significance.

Color Diagnostics, LLC DBA Color Health
Classification: Uncertain significance for Hereditary cancer-predisposing syndrome. Last evaluated: 2024-03-06. Review status: criteria provided, single submitter. Criteria: ACMG Guidelines, 2015. Collection method: clinical testing. Allele origin: germline.
Comment: This missense variant replaces isoleucine with valine at codon 343 of the PMS2 protein. Computational prediction is inconclusive regarding the impact of this variant on protein structure and function (internally defined REVEL score threshold 0.5 < inconclusive < 0.7, PMID: 27666373). To our knowledge, functional studies have not been reported for this variant. This variant has not been reported in individuals affected with hereditary cancer in the literature. This variant has not been identified in the general population by the Genome Aggregation Database (gnomAD). The available evidence is insufficient to determine the role of this variant in disease conclusively. Therefore, this variant is classified as a Variant of Uncertain Significance.

Ambry Genetics
Classification: Uncertain significance for Hereditary cancer-predisposing syndrome. Last evaluated: 2022-12-19. Review status: criteria provided, single submitter. Criteria: Ambry Variant Classification Scheme 2023. Collection method: clinical testing. Allele origin: germline.
Comment: The p.I343V variant (also known as c.1027A>G), located in coding exon 10 of the PMS2 gene, results from an A to G substitution at nucleotide position 1027. The isoleucine at codon 343 is replaced by valine, an amino acid with highly similar properties. This amino acid position is conserved. In addition, this alteration is predicted to be tolerated by in silico analysis. Since supporting evidence is limited at this time, the clinical significance of this alteration remains unclear.